The following is an entry in ClinVar:

NM_001346249.2(RALGAPA1):c.1323A>G (p.Gln441=)

Gene: RALGAPA1 (Ral GTPase activating protein catalytic subunit alpha 1; minus strand). Cytogenetic location: 14q13.2.
Variant type: single nucleotide variant.
Coding change: c.1323A>G on transcript NM_001346249.2 (MANE Select); coding-DNA position 1323, A replaced by G.
Protein change: p.Gln441=; no amino-acid change (glutamine 441 retained).
Molecular consequence: synonymous variant.
Genome position (GRCh38, 1-based): chr14:35,742,494, T>C on the plus strand (A>G on the coding strand, the complement: RALGAPA1 is on the minus strand). VCF-style: chr14-35742494-T-C. GRCh37 (hg19) VCF-style: chr14-36211700-T-C.
Other names: c.1323A>G, p.Gln441= (NM_001283043.3, NM_001283044.3, NM_001330075.3 and 7 more transcripts).
Identifiers: ClinVar variation 771899 (VCV000771899.28), dbSNP rs142294657, ClinGen allele CA7157095.

ClinVar aggregate classification (germline): Benign/Likely benign. Review status: criteria provided, multiple submitters, no conflicts (2 of 4 stars). 3 submissions from 3 submitters: Benign (2); Likely benign (1). Last evaluated 2026-09-01.

Allele frequency attached by ClinVar (database versions not stated): 1000 Genomes Project 30x 0.00297; 1000 Genomes Project 0.00300; gnomAD 0.00438 and 0.00448; TOPMed 0.00460; gnomAD exomes 0.00464 and 0.00559; ESP Exome Variant Server 0.00470; ExAC 0.00491.
gnomAD v4.1: 8,846 of 1,601,200 alleles (0.55%); highest among the groups gnomAD compares: Admixed American, 0.67%; 41 homozygotes.

Submissions (3):

CeGaT Center for Human Genetics Tuebingen
Classification: Likely benign. Last evaluated: 2026-09-01. Review status: criteria provided, single submitter. Criteria: CeGaT Center For Human Genetics Tuebingen Variant Classification Criteria Version 2. Collection method: clinical testing. Allele origin: germline. Affected: yes. Observed: 16 variant alleles.
Comment: RALGAPA1: BP4, BP7, BS2

Labcorp Genetics (formerly Invitae), Labcorp
Classification: Benign. Last evaluated: 2018-07-27. Review status: criteria provided, single submitter. Criteria: Invitae Variant Classification Sherloc (09022015). Collection method: clinical testing. Allele origin: germline.

Breakthrough Genomics
Classification: Benign. Review status: criteria provided, single submitter. Criteria: ACMG Guidelines, 2015. Collection method: not provided. Allele origin: germline. Inheritance: Autosomal recessive inheritance. Affected: yes.